The following is an entry in ClinVar:

NM_002471.4(MYH6):c.5076C>T (p.Ala1692=)

Genes: MYH6 (myosin heavy chain 6; minus strand), LOC126861896 (BRD4-independent group 4 enhancer GRCh37_chr14:23854904-23856103; plus strand). Cytogenetic location: 14q11.2.
Variant type: single nucleotide variant.
Coding change: c.5076C>T on transcript NM_002471.4 (MANE Select); coding-DNA position 5076, C replaced by T.
Protein change: p.Ala1692=; no amino-acid change (alanine 1692 retained).
Molecular consequence: synonymous variant.
Genome position (GRCh38, 1-based): chr14:23,386,015, G>A on the plus strand (C>T on the coding strand, the complement: MYH6 is on the minus strand). VCF-style: chr14-23386015-G-A. GRCh37 (hg19) VCF-style: chr14-23855224-G-A.
Identifiers: ClinVar variation 724222 (VCV000724222.14), dbSNP rs377569988, ClinGen allele CA7114554.

ClinVar aggregate classification (germline): Likely benign. Review status: criteria provided, multiple submitters, no conflicts (2 of 4 stars). 4 submissions from 4 submitters: Likely benign (4). Last evaluated 2026-06-25.

Conditions:
MYH6-related disorder. Also called: MYH6-Related Disorders; MYH6-related condition.
Cardiovascular phenotype. Identifiers: MedGen CN230736.
Hypertrophic cardiomyopathy 14. Identifiers: MedGen C2750467, MONDO:0013197, OMIM 613251.

Allele frequency attached by ClinVar (database versions not stated): gnomAD 0.00001 and 0.00002; gnomAD exomes 0.00001; TOPMed 0.00003; ESP Exome Variant Server 0.00008.
gnomAD v4.1: 12 of 1,614,046 alleles (0.00074%); highest among the groups gnomAD compares: East Asian, 0.0022%; no homozygotes.

Submissions (4):

Ambry Genetics
Classification: Likely benign for Cardiovascular phenotype. Last evaluated: 2026-06-25. Review status: criteria provided, single submitter. Criteria: Ambry Variant Classification Scheme 2023. Collection method: clinical testing. Allele origin: germline.

PreventionGenetics, part of Exact Sciences
Classification: Likely benign for MYH6-related condition. Last evaluated: 2026-02-09. Review status: criteria provided, single submitter. Criteria: ACMG Guidelines, 2015. Collection method: clinical testing. Allele origin: germline.
Comment: This variant is classified as likely benign based on ACMG/AMP sequence variant interpretation guidelines (Richards et al. 2015 PMID: 25741868, with internal and published modifications).

Labcorp Genetics (formerly Invitae), Labcorp
Classification: Likely benign for Hypertrophic cardiomyopathy 14. Last evaluated: 2024-10-18. Review status: criteria provided, single submitter. Criteria: Invitae Variant Classification Sherloc (09022015). Collection method: clinical testing. Allele origin: germline.

Breakthrough Genomics
Classification: Likely benign. Review status: criteria provided, single submitter. Criteria: ACMG Guidelines, 2015. Collection method: not provided. Allele origin: germline. Inheritance: Autosomal dominant inheritance. Affected: yes.